The following is an entry in ClinVar:

NM_138694.4(PKHD1):c.2120T>G (p.Ile707Ser)

Gene: PKHD1 (PKHD1 ciliary IPT domain containing fibrocystin/polyductin; minus strand). Cytogenetic location: 6p12.2.
Variant type: single nucleotide variant.
Coding change: c.2120T>G on transcript NM_138694.4 (MANE Select); coding-DNA position 2120, T replaced by G.
Protein change: p.Ile707Ser; replaces isoleucine 707 with serine.
Molecular consequence: missense variant.
Genome position (GRCh38, 1-based): chr6:52,053,096, A>C on the plus strand (T>G on the coding strand, the complement: PKHD1 is on the minus strand). VCF-style: chr6-52053096-A-C. GRCh37 (hg19) VCF-style: chr6-51917894-A-C.
Other names: c.2120T>G, p.Ile707Ser (NM_170724.3); short protein forms I707S.
Identifiers: ClinVar variation 1498438 (VCV001498438.6), dbSNP rs2128203303, ClinGen allele CA364444009.

ClinVar aggregate classification (germline): Uncertain significance (1 of 4 stars; one submission).

Conditions:
Autosomal recessive polycystic kidney disease (ARPKD). Also called: AR polycystic kidney disease. Identifiers: Orphanet 731, Orphanet 8378, MedGen C0085548, MeSH D017044, MONDO:0009889.

Submission:

Labcorp Genetics (formerly Invitae), Labcorp
Classification: Uncertain significance for Autosomal recessive polycystic kidney disease. Last evaluated: 2024-02-14. Review status: criteria provided, single submitter. Criteria: Invitae Variant Classification Sherloc (09022015). Collection method: clinical testing. Allele origin: germline.
Comment: This sequence change replaces isoleucine, which is neutral and non-polar, with serine, which is neutral and polar, at codon 707 of the PKHD1 protein (p.Ile707Ser). This variant is not present in population databases (gnomAD no frequency). This missense change has been observed in individual(s) with clinical features of polycystic kidney disease (Invitae). ClinVar contains an entry for this variant (Variation ID: 1498438). Advanced modeling of protein sequence and biophysical properties (such as structural, functional, and spatial information, amino acid conservation, physicochemical variation, residue mobility, and thermodynamic stability) performed at Invitae indicates that this missense variant is expected to disrupt PKHD1 protein function with a positive predictive value of 95%. In summary, the available evidence is currently insufficient to determine the role of this variant in disease. Therefore, it has been classified as a Variant of Uncertain Significance.